The following is an entry in ClinVar:

NM_020911.2(PLXNA4):c.3514G>A (p.Val1172Met)

Gene: PLXNA4 (plexin A4; minus strand). Cytogenetic location: 7q32.3.
Variant type: single nucleotide variant.
Coding change: c.3514G>A on transcript NM_020911.2 (MANE Select); coding-DNA position 3514, G replaced by A.
Protein change: p.Val1172Met; replaces valine 1172 with methionine.
Molecular consequence: missense variant.
Genome position (GRCh38, 1-based): chr7:132,180,711, C>T on the plus strand (G>A on the coding strand, the complement: PLXNA4 is on the minus strand). VCF-style: chr7-132180711-C-T. GRCh37 (hg19) VCF-style: chr7-131865470-C-T.
Other names: c.3514G>A, p.Val1172Met (NM_001393897.1); short protein forms V1172M.
Identifiers: ClinVar variation 4984084 (VCV004984084.1).

ClinVar aggregate classification (germline): Uncertain significance (1 of 4 stars; one submission).

Conditions:
PLXNA4-related disorder. Also called: PLXNA4-related condition.

gnomAD v4.1: 4 of 1,614,060 alleles (0.00025%); highest among the groups gnomAD compares: Admixed American, 0.0033%; no homozygotes.

Submission:

PreventionGenetics, part of Exact Sciences
Classification: Uncertain significance for PLXNA4-related condition. Last evaluated: 2026-05-06. Review status: criteria provided, single submitter. Criteria: ACMG Guidelines, 2015. Collection method: clinical testing. Allele origin: germline.
Comment: The PLXNA4 c.3514G>A variant is predicted to result in the amino acid substitution p.Val1172Met. To our knowledge, this variant has not been reported in the literature. This variant is reported in 0.0029% of alleles in individuals of Latino descent in gnomAD. At this time, the clinical significance of this variant is uncertain due to the absence of conclusive functional and genetic evidence.